The following is an entry in ClinVar:

ClinVar aggregate classification (germline): Conflicting classifications of pathogenicity. Review status: criteria provided, conflicting classifications (1 of 4 stars). 3 submissions from 3 submitters: Uncertain significance (2); Likely benign (1). Last evaluated 2024-11-15.

Conditions:
Hereditary diffuse gastric adenocarcinoma (HDGC). Also called: DIFFUSE GASTRIC AND LOBULAR BREAST CANCER SYNDROME. Identifiers: Orphanet 26106, MedGen C1708349, MONDO:0007648, OMIM 137215.
Hereditary cancer-predisposing syndrome. Also called: Neoplastic Syndromes, Hereditary; Tumor predisposition; Hereditary Cancer Syndrome; Hereditary neoplastic syndrome. Identifiers: Orphanet 140162, MedGen C0027672, MeSH D009386, MONDO:0015356.

Allele frequency attached by ClinVar (database versions not stated): TOPMed below 0.00001.

Submissions (3):

Ambry Genetics
Classification: Uncertain significance for Hereditary cancer-predisposing syndrome. Last evaluated: 2024-11-15. Review status: criteria provided, single submitter. Criteria: Ambry Variant Classification Scheme 2023. Collection method: clinical testing. Allele origin: germline.
Comment: The c.531+4G>A intronic variant results from a G to A substitution 4 nucleotides after coding exon 4 in the CDH1 gene. This nucleotide position is not well conserved in available vertebrate species. In silico splice site analysis predicts that this alteration will not have any significant effect on splicing. RNA studies have demonstrated that this alteration does not result in abnormal splicing in the set of samples tested (Ambry internal data). Based on the available evidence, the clinical significance of this variant remains unclear.

Myriad Genetics, Inc.
Classification: Likely benign for Hereditary diffuse gastric adenocarcinoma. Last evaluated: 2024-09-13. Review status: criteria provided, single submitter. Criteria: Myriad Autosomal Dominant, Autosomal Recessive and X-Linked Classification Criteria (2023). Collection method: clinical testing. Allele origin: unknown.
Comment: This variant is considered likely benign. This variant is intronic and is not expected to impact mRNA splicing.

Labcorp Genetics (formerly Invitae), Labcorp
Classification: Uncertain significance for Hereditary diffuse gastric adenocarcinoma. Last evaluated: 2023-06-07. Review status: criteria provided, single submitter. Criteria: Invitae Variant Classification Sherloc (09022015). Collection method: clinical testing. Allele origin: germline.
Comment: In summary, the available evidence is currently insufficient to determine the role of this variant in disease. Therefore, it has been classified as a Variant of Uncertain Significance. Variants that disrupt the consensus splice site are a relatively common cause of aberrant splicing (PMID: 17576681, 9536098). Algorithms developed to predict the effect of sequence changes on RNA splicing suggest that this variant is not likely to affect RNA splicing. ClinVar contains an entry for this variant (Variation ID: 1746765). This variant has not been reported in the literature in individuals affected with CDH1-related conditions. This variant is not present in population databases (gnomAD no frequency). This sequence change falls in intron 4 of the CDH1 gene. It does not directly change the encoded amino acid sequence of the CDH1 protein. It affects a nucleotide within the consensus splice site.

Literature cited by the submitters: PubMed 17576681 (cited by Labcorp Genetics (formerly Invitae), Labcorp); PubMed 9536098 (cited by Labcorp Genetics (formerly Invitae), Labcorp).

NM_004360.5(CDH1):c.531+4G>A

Gene: CDH1 (cadherin 1; plus strand). Cytogenetic location: 16q22.1.
Variant type: single nucleotide variant.
Coding change: c.531+4G>A on transcript NM_004360.5 (MANE Select); 4 bases into the intron after coding-DNA position 531, G replaced by A.
Molecular consequence: intron variant.
Genome position (GRCh38, 1-based): chr16:68,808,571, G>A. VCF-style: chr16-68808571-G-A. GRCh37 (hg19) VCF-style: chr16-68842474-G-A.
Other names: c.-1085+4G>A (NM_001317185.2); c.-1289+4G>A (NM_001317186.2); c.531+4G>A (NM_001317184.2).
Identifiers: ClinVar variation 1746765 (VCV001746765.9), dbSNP rs1172442868, ClinGen allele CA723188469.